The following is an entry in ClinVar:

ClinVar aggregate classification (germline): Uncertain significance (1 of 4 stars; one submission).

Conditions:
Hereditary cancer-predisposing syndrome. Also called: Neoplastic Syndromes, Hereditary; Tumor predisposition; Hereditary Cancer Syndrome; Hereditary neoplastic syndrome. Identifiers: Orphanet 140162, MedGen C0027672, MeSH D009386, MONDO:0015356.

Submission:

Ambry Genetics
Classification: Uncertain significance for Hereditary cancer-predisposing syndrome. Last evaluated: 2026-05-24. Review status: criteria provided, single submitter. Criteria: Ambry Variant Classification Scheme 2023. Collection method: clinical testing. Allele origin: germline.
Comment: The p.G174A variant (also known as c.521G>C), located in coding exon 5 of the SDHA gene, results from a G to C substitution at nucleotide position 521. The glycine at codon 174 is replaced by alanine, an amino acid with similar properties. This amino acid position is conserved. In addition, this alteration is predicted to be deleterious by in silico analysis. Based on the available evidence, the clinical significance of this variant remains unclear.

NM_004168.4(SDHA):c.521G>C (p.Gly174Ala)

Gene: SDHA (succinate dehydrogenase complex flavoprotein subunit A; plus strand). Cytogenetic location: 5p15.33.
Variant type: single nucleotide variant.
Coding change: c.521G>C on transcript NM_004168.4 (MANE Select); coding-DNA position 521, G replaced by C.
Protein change: p.Gly174Ala; replaces glycine 174 with alanine.
Molecular consequence: missense variant.
Genome position (GRCh38, 1-based): chr5:225,947, G>C. VCF-style: chr5-225947-G-C. GRCh37 (hg19) VCF-style: chr5-226062-G-C.
Other names: c.377G>C, p.Gly126Ala (NM_001294332.2); c.521G>C, p.Gly174Ala (NM_001330758.2); short protein forms G126A, G174A.
Identifiers: ClinVar variation 4864230 (VCV004864230.1).